The following is an entry in ClinVar:

ClinVar aggregate classification (germline): Pathogenic/Likely pathogenic. Review status: criteria provided, multiple submitters, no conflicts (2 of 4 stars). 5 submissions from 5 submitters: Pathogenic (3); Likely pathogenic (1). 1 of the submissions does not count toward it. Last evaluated 2025-07-01.

Conditions:
PHOX2B-related disorder. Also called: PHOX2B-related condition.
Haddad syndrome (OHD). Also called: Ondine-Hirschsprung disease. Identifiers: Orphanet 99803, MedGen C1859049, MONDO:0020493.
Hereditary cancer-predisposing syndrome. Also called: Neoplastic Syndromes, Hereditary; Tumor predisposition; Hereditary Cancer Syndrome; Hereditary neoplastic syndrome. Identifiers: Orphanet 140162, MedGen C0027672, MeSH D009386, MONDO:0015356.
Congenital central hypoventilation. Also called: Congenital Central Hypoventilation Syndrome. Identifiers: Orphanet 661, Orphanet 99803, MedGen C1275808, MONDO:0800031. Disease mechanism: gain of function.

Submissions (5):

GeneDx
Classification: Likely pathogenic. Last evaluated: 2025-07-01. Review status: criteria provided, single submitter. Criteria: GeneDx Variant Classification Process June 2021. Collection method: clinical testing. Allele origin: germline. Affected: yes.
Comment: Published functional studies demonstrate a damaging effect: co-transfection assays revealed impaired interactions with transcriptional coactivator CREB-binding protein (PMID: 19191321); Not observed at significant frequency in large population cohorts (gnomAD); In silico analysis supports that this missense variant has a deleterious effect on protein structure/function; This variant is associated with the following publications: (PMID: 19058226, 27013732, 15657873, 34012823, 16888290, 29543228, 38420445, 33958749, 19191321)

PreventionGenetics, part of Exact Sciences
Classification: Pathogenic for PHOX2B-related condition. Last evaluated: 2024-10-30. Review status: criteria provided, single submitter. Criteria: ACMG Guidelines, 2015. Collection method: clinical testing. Allele origin: germline.
Comment: The PHOX2B c.422G>A variant is predicted to result in the amino acid substitution p.Arg141Gln. This variant has been reported in multiple individuals with CCHS, Hirschsprung disease, and neuroblastoma (Trochet et al. 2005. PubMed: 15657873; Berry-Kravis et al. 2006. PubMed ID: 16888290; Trochet et al. 2009. PubMed ID: 19058226; Mei et al. 2021. PubMed ID: 34012823; Wu et al. 2024. PubMed ID: 38420445). This variant was shown in vitro to have effects on transactivation of downstream promoters, and impaired binding of a transcriptional activator (Trochet et al. 2009. PubMed: 19058226; Wu et al. 2009. PubMed ID: 19191321). Alternate variants at the same codon (p.Arg141Gly and p.Arg141Pro) have also been observed in individuals with Hirschsprung disease,neuroblastoma, and CCHS (Trochet et al. 2004. PubMed ID: 15024693; Zhou et al. 2021. PubMed ID: 33958749). This variant is not present in a large population database and has been interpreted as Pathogenic in the ClinVar database. This variant is interpreted as pathogenic.

Labcorp Genetics (formerly Invitae), Labcorp
Classification: Pathogenic for Haddad syndrome. Last evaluated: 2023-07-14. Review status: criteria provided, single submitter. Criteria: Invitae Variant Classification Sherloc (09022015). Collection method: clinical testing. Allele origin: germline.
Comment: For these reasons, this variant has been classified as Pathogenic. Experimental studies have shown that this missense change affects PHOX2B function (PMID: 19058226, 27013732). Advanced modeling of protein sequence and biophysical properties (such as structural, functional, and spatial information, amino acid conservation, physicochemical variation, residue mobility, and thermodynamic stability) performed at Invitae indicates that this missense variant is not expected to disrupt PHOX2B protein function. ClinVar contains an entry for this variant (Variation ID: 869127). This missense change has been observed in individuals with congenital central hypoventilation syndrome (PMID: 15657873, 16888290, 29543228, 34012823). This variant is not present in population databases (gnomAD no frequency). This sequence change replaces arginine, which is basic and polar, with glutamine, which is neutral and polar, at codon 141 of the PHOX2B protein (p.Arg141Gln).

Ambry Genetics
Classification: Pathogenic for Hereditary cancer-predisposing syndrome. Last evaluated: 2016-10-18. Review status: criteria provided, single submitter. Criteria: Ambry Variant Classification Scheme 2023. Collection method: clinical testing. Allele origin: germline.
Comment: The p.R141Q pathogenic mutation (also known as c.422G>A), located in coding exon 2 of the PHOX2B gene, results from a G to A substitution at nucleotide position 422. The arginine at codon 141 is replaced by glutamine, an amino acid with highly similar properties. This alteration was detected in unrelated pediatric patients affected by congenital central hypoventilation syndrome and Hischprung disease, with some subjects also diagnosed with neuroblastoma (Trochet D et al, Am J Hum Genet. 2005 Mar;76(3):421-6; Berry-Kravis et al, Am J Respir Crit Care Med 2006,174:1139-1144). Co-transfection assays revealed impaired interactions with transcriptional coactivator CREB-binding protein (Wu HT et al, Hum Mutat. 2009 Apr;30(4):655-60). Based on the supporting evidence, this alteration is interpreted as a disease-causing mutation.

OMIM
Classification: Pathogenic for CENTRAL HYPOVENTILATION SYNDROME, CONGENITAL, 1. Last evaluated: 2021-08-25. Review status: no assertion criteria provided. Collection method: literature only. Allele origin: germline. Not counted in ClinVar's aggregate classification.

Literature cited by the submitters: PubMed 19058226 (cited by Labcorp Genetics (formerly Invitae), Labcorp); PubMed 27013732 (cited by Labcorp Genetics (formerly Invitae), Labcorp); PubMed 15657873 (cited by Labcorp Genetics (formerly Invitae), Labcorp); PubMed 16888290 (cited by Labcorp Genetics (formerly Invitae), Labcorp); PubMed 29543228 (cited by Labcorp Genetics (formerly Invitae), Labcorp and OMIM); PubMed 34012823 (cited by Labcorp Genetics (formerly Invitae), Labcorp); Hamosh, A. Personal Communication. 2020. Baltimore, Md. (cited by OMIM).

NM_003924.4(PHOX2B):c.422G>A (p.Arg141Gln)

Gene: PHOX2B (paired like homeobox 2B; minus strand). Cytogenetic location: 4p13.
Variant type: single nucleotide variant.
Coding change: c.422G>A on transcript NM_003924.4 (MANE Select); coding-DNA position 422, G replaced by A.
Protein change: p.Arg141Gln; replaces arginine 141 with glutamine.
Molecular consequence: missense variant.
Genome position (GRCh38, 1-based): chr4:41,747,356, C>T on the plus strand (G>A on the coding strand, the complement: PHOX2B is on the minus strand). VCF-style: chr4-41747356-C-T. GRCh37 (hg19) VCF-style: chr4-41749373-C-T.
Other names: short protein forms R141Q.
Identifiers: ClinVar variation 869127 (VCV000869127.11), dbSNP rs1733941453, ClinGen allele CA356739769.
Genomic context (GRCh38, chr4:41,747,356, plus strand): 5'-ACACCTCCCCGGACCAGTGCGGCGGAGCGGGGTCGGTTTCCAGGCGCGCGTACCTGGACT[C>T]GCGCCTCTGTGAGGTCGATCTTCAGGGCCAGCTCCTCCCGAGTGTAGATGTCGGGGTAGT-3'
Protein context (NP_003915.2, residues 131-151): LALKIDLTEA[Arg141Gln]VQVWFQNRRA